The following is an entry in ClinVar:

NM_004260.4(RECQL4):c.3304G>T (p.Asp1102Tyr)

Gene: RECQL4 (RecQ like helicase 4; minus strand). Cytogenetic location: 8q24.3.
Variant type: single nucleotide variant.
Coding change: c.3304G>T on transcript NM_004260.4 (MANE Select); coding-DNA position 3304, G replaced by T.
Protein change: p.Asp1102Tyr; replaces aspartic acid 1102 with tyrosine.
Molecular consequence: missense variant.
Genome position (GRCh38, 1-based): chr8:144,512,000, C>A on the plus strand (G>T on the coding strand, the complement: RECQL4 is on the minus strand). VCF-style: chr8-144512000-C-A. GRCh37 (hg19) VCF-style: chr8-145737383-C-A.
Other names: short protein forms D1102Y.
Identifiers: ClinVar variation 859428 (VCV000859428.5), dbSNP rs1422371025, ClinGen allele CA372668855.

ClinVar aggregate classification (germline): Uncertain significance (1 of 4 stars; one submission).

Conditions:
Baller-Gerold syndrome (BGS). Also called: CRANIOSYNOSTOSIS WITH RADIAL DEFECTS. Identifiers: Orphanet 1225, MedGen C0265308, MONDO:0009039, OMIM 218600.

Allele frequency attached by ClinVar (database versions not stated): gnomAD exomes 0.00001.
gnomAD v4.1: 3 of 1,610,104 alleles (0.00019%); highest among the groups gnomAD compares: South Asian, 0.0033%; no homozygotes.

Submission:

Labcorp Genetics (formerly Invitae), Labcorp
Classification: Uncertain significance for Baller-Gerold syndrome. Last evaluated: 2019-01-18. Review status: criteria provided, single submitter. Criteria: Invitae Variant Classification Sherloc (09022015). Collection method: clinical testing. Allele origin: germline.
Comment: In summary, the available evidence is currently insufficient to determine the role of this variant in disease. Therefore, it has been classified as a Variant of Uncertain Significance. Algorithms developed to predict the effect of missense changes on protein structure and function are either unavailable or do not agree on the potential impact of this missense change (SIFT: "Deleterious"; PolyPhen-2: "Possibly Damaging"; Align-GVGD: "Class C0"). This variant has not been reported in the literature in individuals with RECQL4-related conditions. This variant is not present in population databases (ExAC no frequency). This sequence change replaces aspartic acid with tyrosine at codon 1102 of the RECQL4 protein (p.Asp1102Tyr). The aspartic acid residue is weakly conserved and there is a large physicochemical difference between aspartic acid and tyrosine.